The following is an entry in ClinVar:

ClinVar aggregate classification (germline): Uncertain significance (1 of 4 stars; one submission).

Submission:

Ambry Genetics
Classification: Uncertain significance. Last evaluated: 2024-08-22. Review status: criteria provided, single submitter. Criteria: Ambry Variant Classification Scheme 2023. Collection method: clinical testing. Allele origin: germline.
Comment: The p.A59V variant (also known as c.176C>T), located in coding exon 1 of the EGLN2 gene, results from a C to T substitution at nucleotide position 176. The alanine at codon 59 is replaced by valine, an amino acid with similar properties. This amino acid position is conserved. In addition, this alteration is predicted to be tolerated by in silico analysis. Since supporting evidence is limited at this time, the clinical significance of this alteration remains unclear.

NM_080732.4(EGLN2):c.176C>T (p.Ala59Val)

Genes: EGLN2 (egl-9 family hypoxia inducible factor 2; plus strand), RAB4B-EGLN2 (RAB4B-EGLN2 readthrough (NMD candidate); plus strand). Cytogenetic location: 19q13.2.
Variant type: single nucleotide variant.
Coding change: c.176C>T on transcript NM_080732.4 (MANE Select); coding-DNA position 176, C replaced by T.
Protein change: p.Ala59Val; replaces alanine 59 with valine.
Molecular consequence: missense variant. On other transcripts: non-coding transcript variant (1).
Genome position (GRCh38, 1-based): chr19:40,800,748, C>T. VCF-style: chr19-40800748-C-T. GRCh37 (hg19) VCF-style: chr19-41306653-C-T.
Other names: c.176C>T, p.Ala59Val (NM_053046.4); short protein forms A59V.
Identifiers: ClinVar variation 1779763 (VCV001779763.3), dbSNP rs2515993036, ClinGen allele CA405954718.